The following is an entry in ClinVar:

NM_000214.3(JAG1):c.3008_3009dup (p.Pro1004fs)

Gene: JAG1 (jagged canonical Notch ligand 1; minus strand). Cytogenetic location: 20p12.2.
Variant type: Duplication.
Coding change: c.3008_3009dup on transcript NM_000214.3 (MANE Select); coding-DNA positions 3008 to 3009, 2 bases duplicated (AG; older notation c.3008_3009dupAG).
Protein change: p.Pro1004fs; shifts the reading frame from proline 1004.
Molecular consequence: frameshift variant.
Genome position (GRCh38, 1-based): chr20:10,641,152-10,641,153, CT duplicated on the plus strand (AG on the coding strand, the reverse complement: JAG1 is on the minus strand); duplicating any 2 consecutive bases within chr20:10,641,152-10,641,154 gives the same sequence; the c. name uses the placement nearest the transcript's 3' end. VCF-style (leftmost placement, unchanged base first): chr20-10641151-G-GCT. GRCh37 (hg19) VCF-style: chr20-10621799-G-GCT.
Other names: c.3008_3009dup, p.Pro1004fs (LRG_1191t1); short protein forms P1004fs.
Identifiers: ClinVar variation 213563 (VCV000213563.1), dbSNP rs863223676, ClinGen allele CA322132.

ClinVar aggregate classification (germline): Pathogenic (1 of 4 stars; one submission).

Submission:

GeneDx
Classification: Pathogenic. Last evaluated: 2015-05-14. Review status: criteria provided, single submitter. Criteria: GeneDx Variant Classification (06012015). Collection method: clinical testing. Allele origin: germline. Affected: yes.
Comment: This mutation is predicted to cause loss of normal protein function either through protein truncation or nonsense-mediated mRNA decay. Frameshifts starting with nearby residues (c.3007delG, c.3012dupTT) have been reported in the Human Gene Mutation Database in association with Alagille syndrome (Stenson et al., 2014), supporting the functional importance of this region of the protein. The c.3008_3009dupAG mutation was not observed in approximately 6,500 individuals of European and African American ancestry in the NHLBI Exome Sequencing Project, indicating it is not a common benign variant in these populations. This mutation has not been previously reported to our knowledge.